The following is an entry in ClinVar:

NM_206933.4(USH2A):c.14332G>T (p.Ala4778Ser)

Gene: USH2A (usherin; minus strand). Cytogenetic location: 1q41.
Variant type: single nucleotide variant.
Coding change: c.14332G>T on transcript NM_206933.4 (MANE Select); coding-DNA position 14332, G replaced by T.
Protein change: p.Ala4778Ser; replaces alanine 4778 with serine.
Molecular consequence: missense variant.
Genome position (GRCh38, 1-based): chr1:215,650,603, C>A on the plus strand (G>T on the coding strand, the complement: USH2A is on the minus strand). VCF-style: chr1-215650603-C-A. GRCh37 (hg19) VCF-style: chr1-215823945-C-A.
Other names: short protein forms A4778S.
Identifiers: ClinVar variation 179113 (VCV000179113.5), dbSNP rs727504637, ClinGen allele CA183758.
Genomic context (GRCh38, chr1:215,650,603, plus strand): 5'-ATGATTTTTAAAAGTCAACCAGTCCTGGATTTTTAGCTCTGCTGCTCACCACTGTCTCAG[C>A]CCCATGGGCGCTGCTGGAGAACAGCCTGTAGAGACTGACGATCCCGTTGGGCTTCCCAGG-3'
Protein context (NP_996816.3, residues 4768-4788): YRLFSSSAHG[Ala4778Ser]ETVLSEGMAT

ClinVar aggregate classification (germline): Likely benign (1 of 4 stars; one submission).

Submission:

Laboratory for Molecular Medicine, Mass General Brigham Personalized Medicine
Classification: Likely benign. Last evaluated: 2013-08-10. Review status: criteria provided, single submitter. Criteria: LMM Criteria. Collection method: clinical testing. Allele origin: germline. Observed: 1 variant allele.
Comment: Ala4778Ser in Exon 65 of USH2A: This variant is not expected to have clinical si gnificance due to a lack of conservation across species, including mammals. Of n ote, guinea pig has a serine (Ser) at this position. In addition, computational analyses (PolyPhen2, SIFT, AlignGVGD) do not suggest a high likelihood of impact to the protein. Furthermore, a different amion acid change (Ala4778Asp) is seen at this position in 2.7% (118/4406) of African American chromosomes by the NHLB I Exome Sequencing Project (dbSNP rs113447586 ) suggesting that changes at this position may be tolerated.